The following is an entry in ClinVar:

NM_000377.3(WAS):c.208G>A (p.Gly70Arg)

Gene: WAS (WASP actin nucleation promoting factor; plus strand). Cytogenetic location: Xp11.23.
Variant type: single nucleotide variant.
Coding change: c.208G>A on transcript NM_000377.3 (MANE Select); coding-DNA position 208, G replaced by A.
Protein change: p.Gly70Arg; replaces glycine 70 with arginine.
Molecular consequence: missense variant.
Genome position (GRCh38, 1-based): chrX:48,684,358, G>A. VCF-style: chrX-48684358-G-A. GRCh37 (hg19) VCF-style: chrX-48542747-G-A.
Other names: c.208G>A, p.Gly70Arg (NM_001438876.1, NM_001438877.1, NM_001438878.1 and 1 more transcripts); short protein forms G70R.
Identifiers: ClinVar variation 4783868 (VCV004783868.1).

ClinVar aggregate classification (germline): Likely pathogenic (1 of 4 stars; one submission).

Conditions:
Thrombocytopenia 1. Also called: X-linked thrombocytopenia with normal platelets; X-Linked Thrombocytopenia (XLT); THROMBOCYTOPENIA, X-LINKED, 1. Identifiers: Orphanet 268322, Orphanet 852, MedGen C1839163, MONDO:0010743, OMIM 313900.
Wiskott-Aldrich syndrome (WAS). Also called: ALDRICH SYNDROME; IMMUNODEFICIENCY 2; WISKOTT-ALDRICH SYNDROME 1; Wiskott-aldrich syndrome, somatic. Identifiers: Orphanet 906, MedGen C0043194, MONDO:0010518, OMIM 301000.
X-linked severe congenital neutropenia (SCNX). Identifiers: Orphanet 86788, MedGen C1845987, MONDO:0010294, OMIM 300299.

Submission:

Labcorp Genetics (formerly Invitae), Labcorp
Classification: Likely pathogenic for Wiskott-Aldrich syndrome; X-linked severe congenital neutropenia; Thrombocytopenia 1. Last evaluated: 2025-06-15. Review status: criteria provided, single submitter. Criteria: Invitae Variant Classification Sherloc (09022015). Collection method: clinical testing. Allele origin: germline.
Comment: This sequence change replaces glycine, which is neutral and non-polar, with arginine, which is basic and polar, at codon 70 of the WAS protein (p.Gly70Arg). This variant is not present in population databases (gnomAD no frequency). This missense change has been observed in individual(s) with Wiskott-Aldrich syndrome (PMID: 23264413). Invitae Evidence Modeling of protein sequence and biophysical properties (such as structural, functional, and spatial information, amino acid conservation, physicochemical variation, residue mobility, and thermodynamic stability) indicates that this missense variant is expected to disrupt WAS protein function with a positive predictive value of 95%. This variant disrupts the p.Gly70 amino acid residue in WAS. Other variant(s) that disrupt this residue have been observed in individuals with WAS-related conditions (PMID: 11793485, 19817875), which suggests that this may be a clinically significant amino acid residue. In summary, the currently available evidence indicates that the variant is pathogenic, but additional data are needed to prove that conclusively. Therefore, this variant has been classified as Likely Pathogenic.

Literature cited by the submitters: PubMed 23264413; PubMed 11793485; PubMed 19817875.